The following is an entry in ClinVar:

NM_000540.3(RYR1):c.8311-8A>G

Genes: RYR1 (ryanodine receptor 1; plus strand), LOC126862902 (BRD4-independent group 4 enhancer GRCh37_chr19:38995830-38997029; plus strand). Cytogenetic location: 19q13.2.
Variant type: single nucleotide variant.
Coding change: c.8311-8A>G on transcript NM_000540.3 (MANE Select); 8 bases into the intron before coding-DNA position 8311, A replaced by G.
Molecular consequence: intron variant.
Genome position (GRCh38, 1-based): chr19:38,505,301, A>G. VCF-style: chr19-38505301-A-G. GRCh37 (hg19) VCF-style: chr19-38995941-A-G.
Other names: c.8311-8A>G (NM_001042723.2).
Identifiers: ClinVar variation 1650365 (VCV001650365.9), dbSNP rs771565964, ClinGen allele CA071824.
Genomic context (GRCh38, chr19:38,505,301, plus strand): 5'-CCTCCAGGGTCGCCCCGTGTGTCCCCAACTGCTGCCTCCCCCTCACCCTGCCTCCCCTCC[A>G]TCTCTAGATCCAGAACAACTGGTCCTATGGAGAGAACATAGACGAGGAGCTGAAGACCCA-3'

ClinVar aggregate classification (germline): Likely benign. Review status: criteria provided, multiple submitters, no conflicts (2 of 4 stars). 2 submissions from 2 submitters: Likely benign (2). Last evaluated 2023-09-17.

Conditions:
Malignant hyperthermia, susceptibility to, 1 (MHS1). Also called: Anesthesia related hyperthermia; Malignant hyperpyrexia; Fulminating hyperpyrexia; Pharmacogenic myopathy; Malignant hyperthermia suceptibility 1; RYR1-Related Malignant Hyperthermia Susceptibility. Identifiers: Orphanet 423, MedGen C2930980, MONDO:0007783, OMIM 145600.
RYR1-related disorder. Also called: RYR1-related disorders; RYR1-related condition. Identifiers: MedGen CN239331.

Allele frequency attached by ClinVar (database versions not stated): gnomAD exomes below 0.00001; ExAC 0.00002.
gnomAD v4.1: 6 of 1,600,672 alleles (0.00037%); highest among the groups gnomAD compares: Non-Finnish European, 0.00051%; no homozygotes.

Submissions (2):

All of Us Research Program, National Institutes of Health
Classification: Likely benign for Malignant hyperthermia, susceptibility to, 1. Last evaluated: 2023-09-17. Review status: criteria provided, single submitter. Criteria: ACMG Guidelines, 2015. Collection method: clinical testing. Allele origin: germline. Inheritance: Autosomal dominant inheritance. Observed: 1 variant allele, 1 heterozygote.
Comment: This study involves interpretation of variants in research participants for the purpose of population health screening. Participant phenotype was not available at the time of variant classification. Additional details can be found in publication PMID: 35346344, PMCID: PMC8962531

Labcorp Genetics (formerly Invitae), Labcorp
Classification: Likely benign for RYR1-related disorder. Last evaluated: 2023-05-12. Review status: criteria provided, single submitter. Criteria: Invitae Variant Classification Sherloc (09022015). Collection method: clinical testing. Allele origin: germline.